The following is an entry in ClinVar:

ClinVar aggregate classification (germline): Uncertain significance (1 of 4 stars; one submission).

Allele frequency attached by ClinVar (database versions not stated): gnomAD exomes below 0.00001; ExAC 0.00001.
gnomAD v4.1: 3 of 1,613,540 alleles (0.00019%); highest among the groups gnomAD compares: African/African-American, 0.0013%; no homozygotes.

Submission:

Ambry Genetics
Classification: Uncertain significance. Last evaluated: 2024-03-18. Review status: criteria provided, single submitter. Criteria: Ambry Variant Classification Scheme 2023. Collection method: clinical testing. Allele origin: germline.
Comment: The p.D1109V variant (also known as c.3326A>T), located in coding exon 16 of the POLQ gene, results from an A to T substitution at nucleotide position 3326. The aspartic acid at codon 1109 is replaced by valine, an amino acid with highly dissimilar properties. This amino acid position is conserved. In addition, this alteration is predicted to be tolerated by in silico analysis. Since supporting evidence is limited at this time, the clinical significance of this alteration remains unclear.

NM_199420.4(POLQ):c.3326A>T (p.Asp1109Val)

Gene: POLQ (DNA polymerase theta; minus strand). Cytogenetic location: 3q13.33.
Variant type: single nucleotide variant.
Coding change: c.3326A>T on transcript NM_199420.4 (MANE Select); coding-DNA position 3326, A replaced by T.
Protein change: p.Asp1109Val; replaces aspartic acid 1109 with valine.
Molecular consequence: missense variant.
Genome position (GRCh38, 1-based): chr3:121,489,605, T>A on the plus strand (A>T on the coding strand, the complement: POLQ is on the minus strand). VCF-style: chr3-121489605-T-A. GRCh37 (hg19) VCF-style: chr3-121208452-T-A.
Other names: short protein forms D1109V.
Identifiers: ClinVar variation 1730245 (VCV001730245.2), dbSNP rs768051247, ClinGen allele CA2563076.